The following is an entry in ClinVar:

NC_000019.9:g.(?_5678562)_(5678679_?)dup

Gene: MICOS13 (mitochondrial contact site and cristae organizing system subunit 13; minus strand). Cytogenetic location: 19p13.3.
Variant type: Duplication.
Identifiers: ClinVar variation 1682752 (VCV001682752.5).

ClinVar aggregate classification (germline): Uncertain significance (1 of 4 stars; one submission).

Submission:

Labcorp Genetics (formerly Invitae), Labcorp
Classification: Uncertain significance. Last evaluated: 2022-06-20. Review status: criteria provided, single submitter. Criteria: Invitae Variant Classification Sherloc (09022015). Collection method: clinical testing. Allele origin: germline.
Comment: In summary, the available evidence is currently insufficient to determine the role of this variant in disease. Therefore, it has been classified as a Variant of Uncertain Significance. Experimental studies and prediction algorithms are not available or were not evaluated, and the functional significance of this variant is currently unknown. This variant has not been reported in the literature in individuals affected with C19orf70-related conditions. This variant results in a copy number gain of the genomic region encompassing exon(s) 4 of the C19orf70 gene. This region includes the termination codon of the gene. This copy number gain extends beyond the assayed region for this gene and therefore may encompass additional genes. As the precise location of this event is unknown, it may be in tandem or it may be located elsewhere in the genome.